The following is an entry in ClinVar:

NM_001110556.2(FLNA):c.7846G>A (p.Val2616Met)

Genes: FLNA (filamin A; minus strand), LOC107988032 (Xq28 proximal FLNA-EMD recombination region; plus strand). Cytogenetic location: Xq28.
Variant type: single nucleotide variant.
Coding change: c.7846G>A on transcript NM_001110556.2 (MANE Select); coding-DNA position 7846, G replaced by A.
Protein change: p.Val2616Met; replaces valine 2616 with methionine.
Molecular consequence: missense variant.
Genome position (GRCh38, 1-based): chrX:154,348,947, C>T on the plus strand (G>A on the coding strand, the complement: FLNA is on the minus strand). VCF-style: chrX-154348947-C-T. GRCh37 (hg19) VCF-style: chrX-153577315-C-T.
Other names: c.7822G>A, p.Val2608Met (NM_001456.4); short protein forms V2616M, V2608M.
Identifiers: ClinVar variation 638848 (VCV000638848.16), dbSNP rs369791082, ClinGen allele CA337272555.

ClinVar aggregate classification (germline): Uncertain significance. Review status: criteria provided, multiple submitters, no conflicts (2 of 4 stars). 6 submissions from 6 submitters: Uncertain significance (5). 1 of the submissions does not count toward it. Last evaluated 2026-01-22.

Conditions:
Melnick-Needles syndrome (MNS). Also called: Melnick-Needles Syndrome (FLNA-MNS); OSTEODYSPLASTY OF MELNICK AND NEEDLES; MELNICK-NEEDLES OSTEODYSPLASTY. Identifiers: Orphanet 2484, MedGen C0025237, MONDO:0010650, OMIM 309350.
Heterotopia, periventricular, X-linked dominant (PVNH1). Also called: PERIVENTRICULAR NODULAR HETEROTOPIA 4; HETEROTOPIA, PERIVENTRICULAR, 1; PERIVENTRICULAR NODULAR HETEROTOPIA 1; X-linked periventricular heterotopia. Identifiers: Orphanet 2149, Orphanet 82004, MedGen C1848213, MONDO:0010233, OMIM 300049.
Oto-palato-digital syndrome, type II (OPD2). Also called: Otopalatodigital Syndrome Type 2 (FLNA-OPD2); OPD II SYNDROME; FACIOPALATOOSSEOUS SYNDROME; Otopalatodigital Syndrome, Type II. Identifiers: Orphanet 669, Orphanet 90652, MedGen C1844696, MONDO:0010571, OMIM 304120.
Frontometaphyseal dysplasia (FMD1). Identifiers: Orphanet 1826, MedGen C0265293, MONDO:0015942.
Familial thoracic aortic aneurysm and aortic dissection (TAAD). Also called: Thoracic aortic aneurysms and dissections. Identifiers: Orphanet 91387, MedGen C4707243, MONDO:0019625.
FG syndrome 2 (FGS2). Identifiers: MedGen C1845902, MONDO:0010297, OMIM 300321.
Cardiac valvular dysplasia, X-linked (CVDPX). Also called: FLNA-Related X-linked Cardiac Valvular Dysplasia; MYXOMATOUS VALVULAR DYSTROPHY, X-LINKED; VALVULAR HEART DISEASE, CONGENITAL; Congenital valvular dysplasia; Isolated X-Linked Cardiac Valvular Dysplasia. Identifiers: Orphanet 1864, Orphanet 555877, Orphanet 75497, MedGen C0262436, MONDO:0010753, OMIM 314400.

Allele frequency attached by ClinVar (database versions not stated): TOPMed 0.00002; gnomAD 0.00003; gnomAD exomes 0.00003; ESP Exome Variant Server 0.00010.
gnomAD v4.1: 31 of 1,209,328 alleles (0.0026%); highest among the groups gnomAD compares: Non-Finnish European, 0.0032%; no homozygotes.

Submissions (6):

Labcorp Genetics (formerly Invitae), Labcorp
Classification: Uncertain significance for Oto-palato-digital syndrome, type II; Heterotopia, periventricular, X-linked dominant; Frontometaphyseal dysplasia; Melnick-Needles syndrome. Last evaluated: 2026-01-22. Review status: criteria provided, single submitter. Criteria: Invitae Variant Classification Sherloc (09022015). Collection method: clinical testing. Allele origin: germline.
Comment: This sequence change replaces valine, which is neutral and non-polar, with methionine, which is neutral and non-polar, at codon 2608 of the FLNA protein (p.Val2608Met). This variant is not present in population databases (gnomAD no frequency). This variant has not been reported in the literature in individuals affected with FLNA-related conditions. ClinVar contains an entry for this variant (Variation ID: 638848). Invitae Evidence Modeling of protein sequence and biophysical properties (such as structural, functional, and spatial information, amino acid conservation, physicochemical variation, residue mobility, and thermodynamic stability) indicates that this missense variant is not expected to disrupt FLNA protein function with a negative predictive value of 95%. In summary, the available evidence is currently insufficient to determine the role of this variant in disease. Therefore, it has been classified as a Variant of Uncertain Significance.

Ambry Genetics
Classification: Uncertain significance for Familial thoracic aortic aneurysm and aortic dissection. Last evaluated: 2025-12-31. Review status: criteria provided, single submitter. Criteria: Ambry Variant Classification Scheme 2023. Collection method: clinical testing. Allele origin: germline.

Baylor Genetics
Classification: Uncertain significance for Cardiac valvular dysplasia, X-linked. Last evaluated: 2024-01-26. Review status: criteria provided, single submitter. Criteria: ACMG Guidelines, 2015. Collection method: clinical testing. Allele origin: unknown.

Women's Health and Genetics/Laboratory Corporation of America, LabCorp
Classification: Uncertain significance. Last evaluated: 2023-08-10. Review status: criteria provided, single submitter. Criteria: LabCorp Variant Classification Summary - May 2015. Collection method: clinical testing. Allele origin: germline.

Blueprint Genetics
Classification: Uncertain significance. Last evaluated: 2021-08-04. Review status: criteria provided, single submitter. Criteria: ACMG Guidelines, 2015. Collection method: clinical testing. Allele origin: germline.

Zotz-Klimas Genetics Lab, MVZ Zotz Klimas
Classification: Uncertain significance for FG syndrome 2. Last evaluated: 2023-10-30. Review status: no assertion criteria provided. Collection method: clinical testing. Allele origin: germline. Affected: yes. Not counted in ClinVar's aggregate classification.